The following is an entry in ClinVar:

ClinVar aggregate classification (germline): Uncertain significance (1 of 4 stars; one submission).

Conditions:
Hereditary cancer-predisposing syndrome. Also called: Neoplastic Syndromes, Hereditary; Tumor predisposition; Hereditary Cancer Syndrome; Hereditary neoplastic syndrome. Identifiers: Orphanet 140162, MedGen C0027672, MeSH D009386, MONDO:0015356.

gnomAD v4.1: 1 of 1,614,182 alleles (0.000062%); highest among the groups gnomAD compares: Non-Finnish European, 0.000085%; no homozygotes.

Submission:

Color Diagnostics, LLC DBA Color Health
Classification: Uncertain significance for Hereditary cancer-predisposing syndrome. Last evaluated: 2024-03-07. Review status: criteria provided, single submitter. Criteria: ACMG Guidelines, 2015. Collection method: clinical testing. Allele origin: germline.
Comment: This missense variant replaces phenylalanine with leucine at codon 171 of the CDH1 protein. Computational prediction suggests that this variant may not impact protein structure and function (internally defined REVEL score threshold <= 0.5, PMID: 27666373). Splice site prediction tools suggest that this variant may not impact RNA splicing. To our knowledge, functional studies have not been performed for this variant. This variant has not been reported in individuals affected with hereditary cancer in the literature. This variant has not been identified in the general population by the Genome Aggregation Database (gnomAD). The available evidence is insufficient to determine the role of this variant in disease conclusively. Therefore, this variant is classified as a Variant of Uncertain Significance.

NM_004360.5(CDH1):c.511T>C (p.Phe171Leu)

Gene: CDH1 (cadherin 1; plus strand). Cytogenetic location: 16q22.1.
Variant type: single nucleotide variant.
Coding change: c.511T>C on transcript NM_004360.5 (MANE Select); coding-DNA position 511, T replaced by C.
Protein change: p.Phe171Leu; replaces phenylalanine 171 with leucine.
Molecular consequence: missense variant. On other transcripts: 5 prime UTR variant (2).
Genome position (GRCh38, 1-based): chr16:68,808,547, T>C. VCF-style: chr16-68808547-T-C. GRCh37 (hg19) VCF-style: chr16-68842450-T-C.
Other names: c.511T>C, p.Phe171Leu (NM_001317184.2); c.-1105T>C (NM_001317185.2); c.-1309T>C (NM_001317186.2); short protein forms F171L.
Identifiers: ClinVar variation 926957 (VCV000926957.4), dbSNP rs762388314, ClinGen allele CA396457779.
Genomic context (GRCh38, chr16:68,808,547, plus strand): 5'-AGACAGAAGAGAGACTGGGTTATTCCTCCCATCAGCTGCCCAGAAAATGAAAAAGGCCCA[T>C]TTCCTAAAAACCTGGTTCAGGTAGAGAAAGAAGTTCTCTGTTTCTCTGGGAGGGATTTGG-3'
Protein context (NP_004351.1, residues 161-181): ISCPENEKGP[Phe171Leu]PKNLVQIKSN